The following is an entry in ClinVar:

NM_005559.4(LAMA1):c.1190G>A (p.Cys397Tyr)

Gene: LAMA1 (laminin subunit alpha 1; minus strand). Cytogenetic location: 18p11.31.
Variant type: single nucleotide variant.
Coding change: c.1190G>A on transcript NM_005559.4 (MANE Select); coding-DNA position 1190, G replaced by A.
Protein change: p.Cys397Tyr; replaces cysteine 397 with tyrosine.
Molecular consequence: missense variant.
Genome position (GRCh38, 1-based): chr18:7,042,216, C>T on the plus strand (G>A on the coding strand, the complement: LAMA1 is on the minus strand). VCF-style: chr18-7042216-C-T. GRCh37 (hg19) VCF-style: chr18-7042215-C-T.
Other names: short protein forms C397Y.
Identifiers: ClinVar variation 4280892 (VCV004280892.7).

ClinVar aggregate classification (germline): Uncertain significance (1 of 4 stars; one submission).

Submission:

CeGaT Center for Human Genetics Tuebingen
Classification: Uncertain significance. Last evaluated: 2025-09-01. Review status: criteria provided, single submitter. Criteria: CeGaT Center For Human Genetics Tuebingen Variant Classification Criteria Version 2. Collection method: clinical testing. Allele origin: germline. Affected: yes. Observed: 1 variant allele.
Comment: LAMA1: PM2